The following is an entry in ClinVar:

ClinVar aggregate classification (germline): Uncertain significance (1 of 4 stars; one submission).

Conditions:
Rhabdoid tumor predisposition syndrome 2 (RTPS2). Identifiers: Orphanet 231108, Orphanet 69077, MedGen C2750074, MONDO:0013224, OMIM 613325.

Submission:

Labcorp Genetics (formerly Invitae), Labcorp
Classification: Uncertain significance for Rhabdoid tumor predisposition syndrome 2. Last evaluated: 2024-05-05. Review status: criteria provided, single submitter. Criteria: Invitae Variant Classification Sherloc (09022015). Collection method: clinical testing. Allele origin: germline.
Comment: This sequence change replaces glycine, which is neutral and non-polar, with glutamic acid, which is acidic and polar, at codon 637 of the SMARCA4 protein (p.Gly637Glu). This variant is not present in population databases (gnomAD no frequency). This variant has not been reported in the literature in individuals affected with SMARCA4-related conditions. Advanced modeling of protein sequence and biophysical properties (such as structural, functional, and spatial information, amino acid conservation, physicochemical variation, residue mobility, and thermodynamic stability) performed at Invitae indicates that this missense variant is not expected to disrupt SMARCA4 protein function with a negative predictive value of 95%. In summary, the available evidence is currently insufficient to determine the role of this variant in disease. Therefore, it has been classified as a Variant of Uncertain Significance.

NM_003072.5(SMARCA4):c.1910G>A (p.Gly637Glu)

Gene: SMARCA4 (SWI/SNF related BAF chromatin remodeling complex subunit ATPase 4; plus strand). Cytogenetic location: 19p13.2.
Variant type: single nucleotide variant.
Coding change: c.1910G>A on transcript NM_003072.5 (MANE Select); coding-DNA position 1910, G replaced by A.
Protein change: p.Gly637Glu; replaces glycine 637 with glutamic acid.
Molecular consequence: missense variant. On other transcripts: non-coding transcript variant (1).
Genome position (GRCh38, 1-based): chr19:11,003,126, G>A. VCF-style: chr19-11003126-G-A. GRCh37 (hg19) VCF-style: chr19-11113802-G-A.
Other names: c.1910G>A, p.Gly637Glu (NM_001128844.3, NM_001128845.2, NM_001128846.2 and 6 more transcripts); short protein forms G637E.
Identifiers: ClinVar variation 3636857 (VCV003636857.2).